The following is an entry in ClinVar:

ClinVar aggregate classification (germline): Uncertain significance (1 of 4 stars; one submission).

Allele frequency attached by ClinVar (database versions not stated): gnomAD exomes below 0.00001; ExAC 0.00001.
gnomAD v4.1: 3 of 1,614,152 alleles (0.00019%); highest among the groups gnomAD compares: Admixed American, 0.0017%; no homozygotes.

Submission:

Labcorp Genetics (formerly Invitae), Labcorp
Classification: Uncertain significance. Last evaluated: 2022-05-29. Review status: criteria provided, single submitter. Criteria: Invitae Variant Classification Sherloc (09022015). Collection method: clinical testing. Allele origin: germline.
Comment: Algorithms developed to predict the effect of missense changes on protein structure and function are either unavailable or do not agree on the potential impact of this missense change (SIFT: "Deleterious"; PolyPhen-2: "Possibly Damaging"; Align-GVGD: "Class C15"). In summary, the available evidence is currently insufficient to determine the role of this variant in disease. Therefore, it has been classified as a Variant of Uncertain Significance. This variant has not been reported in the literature in individuals affected with WNT2B-related conditions. This variant is present in population databases (rs760453981, gnomAD 0.003%). This sequence change replaces arginine, which is basic and polar, with cysteine, which is neutral and slightly polar, at codon 293 of the WNT2B protein (p.Arg293Cys).

NM_024494.3(WNT2B):c.877C>T (p.Arg293Cys)

Gene: WNT2B (Wnt family member 2B; plus strand). Cytogenetic location: 1p13.2.
Variant type: single nucleotide variant.
Coding change: c.877C>T on transcript NM_024494.3 (MANE Select); coding-DNA position 877, C replaced by T.
Protein change: p.Arg293Cys; replaces arginine 293 with cysteine.
Molecular consequence: missense variant.
Genome position (GRCh38, 1-based): chr1:112,517,316, C>T. VCF-style: chr1-112517316-C-T. GRCh37 (hg19) VCF-style: chr1-113059938-C-T.
Other names: c.601C>T, p.Arg201Cys (NM_001291880.1); c.820C>T, p.Arg274Cys (NM_004185.4); short protein forms R201C, R274C, R293C.
Identifiers: ClinVar variation 2071445 (VCV002071445.3), dbSNP rs760453981, ClinGen allele CA1008376.